The following is an entry in ClinVar:

NM_201596.3(CACNB2):c.1814C>G (p.Ser605Cys)

Gene: CACNB2 (calcium voltage-gated channel auxiliary subunit beta 2; plus strand). Cytogenetic location: 10p12.31.
Variant type: single nucleotide variant.
Coding change: c.1814C>G on transcript NM_201596.3 (MANE Select); coding-DNA position 1814, C replaced by G.
Protein change: p.Ser605Cys; replaces serine 605 with cysteine.
Molecular consequence: missense variant.
Genome position (GRCh38, 1-based): chr10:18,539,555, C>G. VCF-style: chr10-18539555-C-G. GRCh37 (hg19) VCF-style: chr10-18828484-C-G.
Other names: c.1649C>G, p.Ser550Cys (NM_000724.4); c.1616C>G, p.Ser539Cys (NM_001167945.2); c.1535C>G, p.Ser512Cys (NM_001330060.2); c.1670C>G, p.Ser557Cys (NM_201570.3); c.1730C>G, p.Ser577Cys (NM_201571.4); c.1658C>G, p.Ser553Cys (NM_201572.4); c.1652C>G, p.Ser551Cys (NM_201590.3); c.1700C>G, p.Ser567Cys (NM_201593.3); and 1 more; short protein forms S512C, S581C, S539C, S551C, S553C, S557C, S605C, S550C.
Identifiers: ClinVar variation 1358931 (VCV001358931.11), dbSNP rs548428286, ClinGen allele CA5430175.

ClinVar aggregate classification (germline): Uncertain significance. Review status: criteria provided, multiple submitters, no conflicts (2 of 4 stars). 2 submissions from 2 submitters: Uncertain significance (2). Last evaluated 2025-10-26.

Conditions:
Cardiovascular phenotype. Identifiers: MedGen CN230736.
Brugada syndrome 4 (BRGDA4). Identifiers: Orphanet 130, MedGen C2678477, MONDO:0012743, OMIM 611876.

Allele frequency attached by ClinVar (database versions not stated): gnomAD 0.00004; TOPMed 0.00005.
gnomAD v4.1: 8 of 1,613,506 alleles (0.0005%); highest among the groups gnomAD compares: African/African-American, 0.008%; no homozygotes.

Submissions (2):

Ambry Genetics
Classification: Uncertain significance for Cardiovascular phenotype. Last evaluated: 2025-10-26. Review status: criteria provided, single submitter. Criteria: Ambry Variant Classification Scheme 2023. Collection method: clinical testing. Allele origin: germline.
Comment: The p.S551C variant (also known as c.1652C>G), located in coding exon 13 of the CACNB2 gene, results from a C to G substitution at nucleotide position 1652. The serine at codon 551 is replaced by cysteine, an amino acid with dissimilar properties. This amino acid position is conserved. In addition, this alteration is predicted to be tolerated by in silico analysis. Since supporting evidence is limited at this time, the clinical significance of this alteration remains unclear.

Labcorp Genetics (formerly Invitae), Labcorp
Classification: Uncertain significance for Brugada syndrome 4. Last evaluated: 2022-07-26. Review status: criteria provided, single submitter. Criteria: Invitae Variant Classification Sherloc (09022015). Collection method: clinical testing. Allele origin: germline.
Comment: This variant has not been reported in the literature in individuals affected with CACNB2-related conditions. In summary, the available evidence is currently insufficient to determine the role of this variant in disease. Therefore, it has been classified as a Variant of Uncertain Significance. Algorithms developed to predict the effect of missense changes on protein structure and function are either unavailable or do not agree on the potential impact of this missense change (SIFT: "Tolerated"; PolyPhen-2: "Possibly Damaging"; Align-GVGD: "Class C15"). ClinVar contains an entry for this variant (Variation ID: 1358931). This variant is present in population databases (rs548428286, gnomAD 0.008%). This sequence change replaces serine, which is neutral and polar, with cysteine, which is neutral and slightly polar, at codon 551 of the CACNB2 protein (p.Ser551Cys).